The following is an entry in ClinVar:

ClinVar aggregate classification (germline): Pathogenic (1 of 4 stars; one submission).

Submission:

GeneDx
Classification: Pathogenic. Last evaluated: 2017-07-03. Review status: criteria provided, single submitter. Criteria: GeneDx Variant Classification (06012015). Collection method: clinical testing. Allele origin: germline. Affected: yes.
Comment: The c.2514delG pathogenic variant in the KMT2A gene has been reported previously as a de novo pathogenic variant in an individual with autism spectrum disorder (Wang et al., 2016). The deletion causes a frameshift starting with codon Tryptophan 838, changes this amino acid to a Cysteine residue and creates a premature Stop codon at position 111 of the new reading frame, denoted p.Trp838CysfsX111. This pathogenic variant is predicted to cause loss of normal protein function either through protein truncation or nonsense-mediated mRNA decay. The c.2514delG variant is not observed in large population cohorts (Lek et al., 2016; 1000 Genomes Consortium et al., 2015; Exome Variant Server).

NM_001197104.2(KMT2A):c.2514del (p.Trp838fs)

Gene: KMT2A (lysine methyltransferase 2A; plus strand). Cytogenetic location: 11q23.3.
Variant type: Deletion.
Coding change: c.2514del on transcript NM_001197104.2 (MANE Select); coding-DNA position 2514, one base deleted (G; older notation c.2514delG).
Protein change: p.Trp838fs; shifts the reading frame from tryptophan 838.
Molecular consequence: frameshift variant.
Genome position (GRCh38, 1-based): chr11:118,473,673, G deleted; the last of 2 consecutive G bases (chr11:118,473,672-118,473,673); deleting either gives the same sequence. VCF-style (leftmost placement, unchanged base first): chr11-118473671-TG-T. GRCh37 (hg19) VCF-style: chr11-118344386-TG-T.
Other names: c.2514delG (NM_001197104.1); c.2514del, p.Trp838fs (NM_005933.4); short protein forms W838fs.
Identifiers: ClinVar variation 450037 (VCV000450037.2), dbSNP rs1555036599, ClinGen allele CA658658109.